The following is an entry in ClinVar:

NM_006231.4(POLE):c.5545T>C (p.Phe1849Leu)

Gene: POLE (DNA polymerase epsilon, catalytic subunit; minus strand). Cytogenetic location: 12q24.33.
Variant type: single nucleotide variant.
Coding change: c.5545T>C on transcript NM_006231.4 (MANE Select); coding-DNA position 5545, T replaced by C.
Protein change: p.Phe1849Leu; replaces phenylalanine 1849 with leucine.
Molecular consequence: missense variant.
Genome position (GRCh38, 1-based): chr12:132,639,132, A>G on the plus strand (T>C on the coding strand, the complement: POLE is on the minus strand). VCF-style: chr12-132639132-A-G. GRCh37 (hg19) VCF-style: chr12-133215718-A-G.
Other names: c.5545T>C (NM_006231.2); short protein forms F1849L.
Identifiers: ClinVar variation 1948874 (VCV001948874.6), dbSNP rs2138508215, ClinGen allele CA387374541.
Genomic context (GRCh38, chr12:132,639,132, plus strand): 5'-GGACCAGCCCAGCTGAGGACGCGGTGGACAGCCCAGGGAGGAGGAGCACTCACTGCAGGA[A>G]GAGCTTCTTCATCATGTTGTGGAGTGTGCGGTGCAGGGCAGGGTCATGAAGCAGAGAGGA-3'
Protein context (NP_006222.2, residues 1839-1859): RTLHNMMKKL[Phe1849Leu]LQLIAEFKRL

ClinVar aggregate classification (germline): Uncertain significance. Review status: criteria provided, multiple submitters, no conflicts (2 of 4 stars). 2 submissions from 2 submitters: Uncertain significance (2). Last evaluated 2024-05-01.

Conditions:
Hereditary cancer-predisposing syndrome. Also called: Hereditary neoplastic syndrome; Tumor predisposition; Hereditary Cancer Syndrome; Neoplastic Syndromes, Hereditary. Identifiers: Orphanet 140162, MedGen C0027672, MeSH D009386, MONDO:0015356.

Allele frequency attached by ClinVar (database versions not stated): gnomAD exomes below 0.00001.
gnomAD v4.1: 1 of 1,613,674 alleles (0.000062%); highest among the groups gnomAD compares: Non-Finnish European, 0.000085%; no homozygotes.

Submissions (2):

Ambry Genetics
Classification: Uncertain significance for Hereditary cancer-predisposing syndrome. Last evaluated: 2024-05-01. Review status: criteria provided, single submitter. Criteria: Ambry Variant Classification Scheme 2023. Collection method: clinical testing. Allele origin: germline.
Comment: The p.F1849L variant (also known as c.5545T>C), located in coding exon 40 of the POLE gene, results from a T to C substitution at nucleotide position 5545. The phenylalanine at codon 1849 is replaced by leucine, an amino acid with highly similar properties. This amino acid position is conserved. In addition, the in silico prediction for this alteration is inconclusive. Based on the available evidence, the clinical significance of this variant remains unclear.

Labcorp Genetics (formerly Invitae), Labcorp
Classification: Uncertain significance. Last evaluated: 2022-02-02. Review status: criteria provided, single submitter. Criteria: Invitae Variant Classification Sherloc (09022015). Collection method: clinical testing. Allele origin: germline.
Comment: This variant is not present in population databases (gnomAD no frequency). This sequence change replaces phenylalanine, which is neutral and non-polar, with leucine, which is neutral and non-polar, at codon 1849 of the POLE protein (p.Phe1849Leu). This variant has not been reported in the literature in individuals affected with POLE-related conditions. In summary, the available evidence is currently insufficient to determine the role of this variant in disease. Therefore, it has been classified as a Variant of Uncertain Significance. Algorithms developed to predict the effect of missense changes on protein structure and function are either unavailable or do not agree on the potential impact of this missense change (SIFT: "Tolerated"; PolyPhen-2: "Possibly Damaging"; Align-GVGD: "Class C0").